The following is an entry in ClinVar:

ClinVar aggregate classification (germline): Uncertain significance (1 of 4 stars; one submission).

Submission:

GeneDx
Classification: Uncertain significance. Last evaluated: 2025-03-16. Review status: criteria provided, single submitter. Criteria: GeneDx Variant Classification Process June 2021. Collection method: clinical testing. Allele origin: germline. Affected: yes.
Comment: Not observed at significant frequency in large population cohorts (gnomAD); In silico analysis supports that this missense variant has a deleterious effect on protein structure/function; Has not been previously published as pathogenic or benign to our knowledge

NM_020791.4(TAOK1):c.106C>T (p.His36Tyr)

Gene: TAOK1 (TAO kinase 1; plus strand). Cytogenetic location: 17q11.2.
Variant type: single nucleotide variant.
Coding change: c.106C>T on transcript NM_020791.4 (MANE Select); coding-DNA position 106, C replaced by T.
Protein change: p.His36Tyr; replaces histidine 36 with tyrosine.
Molecular consequence: missense variant.
Genome position (GRCh38, 1-based): chr17:29,451,654, C>T. VCF-style: chr17-29451654-C-T. GRCh37 (hg19) VCF-style: chr17-27778672-C-T.
Other names: c.106C>T, p.His36Tyr (NM_025142.1); short protein forms H36Y.
Identifiers: ClinVar variation 4086618 (VCV004086618.1).